The following is an entry in ClinVar:

ClinVar aggregate classification (germline): Uncertain significance. Review status: criteria provided, multiple submitters, no conflicts (2 of 4 stars). 2 submissions from 2 submitters: Uncertain significance (2). Last evaluated 2025-09-05.

Conditions:
Distal myopathy with posterior leg and anterior hand involvement. Also called: WILLIAMS DISTAL MYOPATHY. Identifiers: Orphanet 63273, MedGen C3279722, MONDO:0013550, OMIM 614065.
Hypertrophic cardiomyopathy 26. Also called: Cardiomyopathy, familial hypertrophic, 26. Identifiers: Orphanet 75249, MedGen C4310749, MONDO:0014883, OMIM 617047.
Myofibrillar myopathy 5. Also called: Filaminopathy (type); FILAMINOPATHY, AUTOSOMAL DOMINANT. Identifiers: Orphanet 171445, MedGen C1836050, MONDO:0012289, OMIM 609524.

Allele frequency attached by ClinVar (database versions not stated): gnomAD exomes below 0.00001 and 0.00001; TOPMed below 0.00001.
gnomAD v4.1: 8 of 1,610,062 alleles (0.0005%); highest among the groups gnomAD compares: Non-Finnish European, 0.00068%; no homozygotes.

Submissions (2):

Labcorp Genetics (formerly Invitae), Labcorp
Classification: Uncertain significance for Distal myopathy with posterior leg and anterior hand involvement; Myofibrillar myopathy 5; Hypertrophic cardiomyopathy 26. Last evaluated: 2025-09-05. Review status: criteria provided, single submitter. Criteria: Invitae Variant Classification Sherloc (09022015). Collection method: clinical testing. Allele origin: germline.
Comment: This sequence change replaces arginine, which is basic and polar, with tryptophan, which is neutral and slightly polar, at codon 2228 of the FLNC protein (p.Arg2228Trp). This variant is present in population databases (no rsID available, gnomAD 0.0009%). This variant has not been reported in the literature in individuals affected with FLNC-related conditions. ClinVar contains an entry for this variant (Variation ID: 1362103). An algorithm developed to predict the effect of missense changes on protein structure and function (PolyPhen-2) suggests that this variant is likely to be tolerated. In summary, the available evidence is currently insufficient to determine the role of this variant in disease. Therefore, it has been classified as a Variant of Uncertain Significance.

Blueprint Genetics
Classification: Uncertain significance. Last evaluated: 2024-04-09. Review status: criteria provided, single submitter. Criteria: ACMG Guidelines, 2015. Collection method: clinical testing. Allele origin: germline.

NM_001458.5(FLNC):c.6682C>T (p.Arg2228Trp)

Genes: FLNC (filamin C; plus strand), FLNC-AS1 (FLNC antisense RNA 1; minus strand). Cytogenetic location: 7q32.1.
Variant type: single nucleotide variant.
Coding change: c.6682C>T on transcript NM_001458.5 (MANE Select); coding-DNA position 6682, C replaced by T.
Protein change: p.Arg2228Trp; replaces arginine 2228 with tryptophan.
Molecular consequence: missense variant.
Genome position (GRCh38, 1-based): chr7:128,854,171, C>T. VCF-style: chr7-128854171-C-T. GRCh37 (hg19) VCF-style: chr7-128494225-C-T.
Other names: c.6583C>T, p.Arg2195Trp (NM_001127487.2); short protein forms R2228W, R2195W.
Identifiers: ClinVar variation 1362103 (VCV001362103.9), dbSNP rs1196014760, ClinGen allele CA16622134.